The following is an entry in ClinVar:

NM_001166108.2(PALLD):c.1965-12816C>A

Gene: PALLD (palladin, cytoskeletal associated protein; plus strand). Cytogenetic location: 4q32.3.
Variant type: single nucleotide variant.
Coding change: c.1965-12816C>A on transcript NM_001166108.2 (MANE Select); 12816 bases into the intron before coding-DNA position 1965, C replaced by A.
Molecular consequence: intron variant. On other transcripts: missense variant (1).
Genome position (GRCh38, 1-based): chr4:168,878,106, C>A. VCF-style: chr4-168878106-C-A. GRCh37 (hg19) VCF-style: chr4-169799257-C-A.
Other names: c.1965-12816C>A (NM_016081.4); c.819-12816C>A (NM_001166109.2); c.-157-12816C>A (NM_001367570.1, NM_001367568.1, NM_001367567.1 and 1 more transcripts); c.215C>A, p.Pro72His (NM_001166110.2); short protein forms P72H.
Identifiers: ClinVar variation 5026253 (VCV005026253.1).

ClinVar aggregate classification (germline): Uncertain significance (1 of 4 stars; one submission).

Submission:

Ambry Genetics
Classification: Uncertain significance. Last evaluated: 2026-08-31. Review status: criteria provided, single submitter. Criteria: Ambry Variant Classification Scheme 2023. Collection method: clinical testing. Allele origin: germline.
Comment: The p.P72H variant (also known as c.215C>A), located in coding exon 1 of the PALLD gene, results from a C to A substitution at nucleotide position 215. The proline at codon 72 is replaced by histidine, an amino acid with similar properties. This amino acid position is conserved. In addition, this alteration is predicted to be tolerated by in silico analysis. Based on the available evidence, the clinical significance of this variant remains unclear.